The following is an entry in ClinVar:

ClinVar aggregate classification (germline): Uncertain significance (1 of 4 stars; one submission).

Conditions:
Symmetrical dyschromatosis of extremities (DSH). Also called: DYSCHROMATOSIS SYMMETRICA HEREDITARIA 1; RETICULATE ACROPIGMENTATION OF DOHI; SYMMETRIC DYSCHROMATOSIS OF THE EXTREMITIES; Dyschromatosis symmetrica hereditaria. Identifiers: Orphanet 41, MedGen C0406775, MONDO:0007483, OMIM 127400.
Aicardi-Goutieres syndrome 6 (AGS6). Identifiers: Orphanet 51, MedGen C3539013, MONDO:0014007, OMIM 615010.

gnomAD v4.1: 1 of 1,613,960 alleles (0.000062%); highest among the groups gnomAD compares: Non-Finnish European, 0.000085%; no homozygotes.

Submission:

Labcorp Genetics (formerly Invitae), Labcorp
Classification: Uncertain significance for Aicardi-Goutieres syndrome 6; Symmetrical dyschromatosis of extremities. Last evaluated: 2024-05-20. Review status: criteria provided, single submitter. Criteria: Invitae Variant Classification Sherloc (09022015). Collection method: clinical testing. Allele origin: germline.
Comment: This sequence change replaces proline, which is neutral and non-polar, with arginine, which is basic and polar, at codon 834 of the ADAR protein (p.Pro834Arg). This variant is not present in population databases (gnomAD no frequency). This variant has not been reported in the literature in individuals affected with ADAR-related conditions. Advanced modeling of protein sequence and biophysical properties (such as structural, functional, and spatial information, amino acid conservation, physicochemical variation, residue mobility, and thermodynamic stability) performed at Invitae indicates that this missense variant is expected to disrupt ADAR protein function with a positive predictive value of 80%. In summary, the available evidence is currently insufficient to determine the role of this variant in disease. Therefore, it has been classified as a Variant of Uncertain Significance.

NM_001111.5(ADAR):c.2501C>G (p.Pro834Arg)

Gene: ADAR (adenosine deaminase RNA specific; minus strand). Cytogenetic location: 1q21.3.
Variant type: single nucleotide variant.
Coding change: c.2501C>G on transcript NM_001111.5 (MANE Select); coding-DNA position 2501, C replaced by G.
Protein change: p.Pro834Arg; replaces proline 834 with arginine.
Molecular consequence: missense variant.
Genome position (GRCh38, 1-based): chr1:154,589,924, G>C on the plus strand (C>G on the coding strand, the complement: ADAR is on the minus strand). VCF-style: chr1-154589924-G-C. GRCh37 (hg19) VCF-style: chr1-154562400-G-C.
Other names: c.2423C>G, p.Pro808Arg (NM_015840.4); c.2366C>G, p.Pro789Arg (NM_015841.4); c.1616C>G, p.Pro539Arg (NM_001193495.2, NM_001365046.1, NM_001365047.1 and 2 more transcripts); c.2528C>G, p.Pro843Arg (NM_001365045.1); c.1538C>G, p.Pro513Arg (NM_001365049.1); short protein forms P513R, P539R, P789R, P808R, P834R, P843R.
Identifiers: ClinVar variation 3747957 (VCV003747957.2).